The following is an entry in ClinVar:

NM_005529.7(HSPG2):c.2260G>A (p.Gly754Ser)

Gene: HSPG2 (heparan sulfate proteoglycan 2; minus strand). Cytogenetic location: 1p36.12.
Variant type: single nucleotide variant.
Coding change: c.2260G>A on transcript NM_005529.7 (MANE Select); coding-DNA position 2260, G replaced by A.
Protein change: p.Gly754Ser; replaces glycine 754 with serine.
Molecular consequence: missense variant.
Genome position (GRCh38, 1-based): chr1:21,880,190, C>T on the plus strand (G>A on the coding strand, the complement: HSPG2 is on the minus strand). VCF-style: chr1-21880190-C-T. GRCh37 (hg19) VCF-style: chr1-22206683-C-T.
Other names: c.2263G>A, p.Gly755Ser (NM_001291860.2); short protein forms G754S, G755S.
Identifiers: ClinVar variation 1915289 (VCV001915289.3), dbSNP rs762756774, ClinGen allele CA673125.
Genomic context (GRCh38, chr1:21,880,190, plus strand): 5'-CACAGGAGCTGGCATGGCCATTGCAATTGCAACCAGAGCAGGTGCCCAGGTAGGGCCCAC[C>T]AGGCACCCGAGTGAAGTGGGCATCACAGCTCTCGCAGGACAAGCCAGAATAGCCAATGGG-3'
Protein context (NP_005520.4, residues 744-764): SCDAHFTRVP[Gly754Ser]GPYLGTCSGC

ClinVar aggregate classification (germline): Uncertain significance. Review status: criteria provided, multiple submitters, no conflicts (2 of 4 stars). 2 submissions from 2 submitters: Uncertain significance (2). Last evaluated 2024-05-17.

Allele frequency attached by ClinVar (database versions not stated): ExAC 0.00001; gnomAD exomes 0.00003; gnomAD 0.00005; TOPMed 0.00011.
gnomAD v4.1: 59 of 1,614,066 alleles (0.0037%); highest among the groups gnomAD compares: Admixed American, 0.017%; no homozygotes.

Submissions (2):

Women's Health and Genetics/Laboratory Corporation of America, LabCorp
Classification: Uncertain significance. Last evaluated: 2024-05-17. Review status: criteria provided, single submitter. Criteria: LabCorp Variant Classification Summary - May 2015. Collection method: clinical testing. Allele origin: germline.
Comment: Variant summary: HSPG2 c.2260G>A (p.Gly754Ser) results in a non-conservative amino acid change in the encoded protein sequence. Three of five in-silico tools predict a damaging effect of the variant on protein function. The variant allele was found at a frequency of 2.4e-05 in 251306 control chromosomes (gnomAD). The available data on variant occurrences in the general population are insufficient to allow any conclusion about variant significance. c.2260G>A has been reported in the literature in at least one individual affected with neurogenetic diseases (Grunseich_2021). The report does not provide unequivocal conclusions about association of the variant with Schwartz Jampel Syndrome Type 1. To our knowledge, no experimental evidence demonstrating an impact on protein function has been reported. ClinVar contains an entry for this variant (Variation ID: 1915289). Based on the evidence outlined above, the variant was classified as uncertain significance.

Labcorp Genetics (formerly Invitae), Labcorp
Classification: Uncertain significance. Last evaluated: 2022-09-07. Review status: criteria provided, single submitter. Criteria: Invitae Variant Classification Sherloc (09022015). Collection method: clinical testing. Allele origin: germline.
Comment: This sequence change replaces glycine, which is neutral and non-polar, with serine, which is neutral and polar, at codon 754 of the HSPG2 protein (p.Gly754Ser). This variant is present in population databases (rs762756774, gnomAD 0.006%). This variant has not been reported in the literature in individuals affected with HSPG2-related conditions. Algorithms developed to predict the effect of missense changes on protein structure and function (SIFT, PolyPhen-2, Align-GVGD) all suggest that this variant is likely to be tolerated. In summary, the available evidence is currently insufficient to determine the role of this variant in disease. Therefore, it has been classified as a Variant of Uncertain Significance.

Literature cited by the submitters: PubMed 34103343 (cited by Women's Health and Genetics/Laboratory Corporation of America, LabCorp).